The following is an entry in ClinVar:

ClinVar aggregate classification (germline): Likely pathogenic (1 of 4 stars; one submission).

Submission:

Labcorp Genetics (formerly Invitae), Labcorp
Classification: Likely pathogenic. Last evaluated: 2022-09-06. Review status: criteria provided, single submitter. Criteria: Invitae Variant Classification Sherloc (09022015). Collection method: clinical testing. Allele origin: germline.
Comment: This variant results in a copy number gain of the genomic region encompassing exon(s) 6-12 of the PHEX gene. While the exact position of this variant cannot be determined from the data, sub-genic copy number gains are generally in tandem (PMID: 25640679). This variant is predicted to be in-frame, and likely preserves the integrity of the reading frame. A similar copy number variant has been observed in individual(s) with X-linked hypophosphatemia (Invitae). It has also been observed to segregate with disease in related individuals. In summary, the currently available evidence indicates that the variant is pathogenic, but additional data are needed to prove that conclusively. Therefore, this variant has been classified as Likely Pathogenic.

Literature cited by the submitters: PubMed 25640679.

NC_000023.10:g.(?_22108527)_(22151761_?)dup

Gene: PHEX (phosphate regulating endopeptidase X-linked; plus strand). Cytogenetic location: Xp22.11.
Variant type: Duplication.
Identifiers: ClinVar variation 2423113 (VCV002423113.4).